The following is an entry in ClinVar:

NM_014244.5(ADAMTS2):c.2887C>T (p.Arg963Trp)

Gene: ADAMTS2 (ADAM metallopeptidase with thrombospondin type 1 motif 2; minus strand). Cytogenetic location: 5q35.3.
Variant type: single nucleotide variant.
Coding change: c.2887C>T on transcript NM_014244.5 (MANE Select); coding-DNA position 2887, C replaced by T.
Protein change: p.Arg963Trp; replaces arginine 963 with tryptophan.
Molecular consequence: missense variant.
Genome position (GRCh38, 1-based): chr5:179,125,044, G>A on the plus strand (C>T on the coding strand, the complement: ADAMTS2 is on the minus strand). VCF-style: chr5-179125044-G-A. GRCh37 (hg19) VCF-style: chr5-178552045-G-A.
Other names: short protein forms R963W.
Identifiers: ClinVar variation 4853322 (VCV004853322.1).

ClinVar aggregate classification (germline): Uncertain significance (1 of 4 stars; one submission).

gnomAD v4.1: 21 of 1,608,570 alleles (0.0013%); highest among the groups gnomAD compares: African/African-American, 0.0027%; no homozygotes.

Submission:

Women's Health and Genetics/Laboratory Corporation of America, LabCorp
Classification: Uncertain significance. Last evaluated: 2026-05-28. Review status: criteria provided, single submitter. Criteria: LabCorp Variant Classification Summary - May 2015. Collection method: clinical testing. Allele origin: germline.
Comment: Variant summary: ADAMTS2 c.2887C>T (p.Arg963Trp) results in a non-conservative amino acid change in the encoded protein sequence. Algorithms developed to predict the effect of missense changes on protein structure and function all suggest that this variant is likely to be disruptive. The variant allele was found at a frequency of 4e-06 in 248458 control chromosomes. The available data on variant occurrences in the general population are insufficient to allow any conclusion about variant significance. To our knowledge, no occurrence of c.2887C>T in individuals affected with ADAMTS2-related conditions and no experimental evidence demonstrating its impact on protein function have been reported. No submitters have cited clinical-significance assessments for this variant to ClinVar. Based on the evidence outlined above, the variant was classified as uncertain significance.